The following is an entry in ClinVar:

NM_006904.7(PRKDC):c.11794A>G (p.Met3932Val)

Gene: PRKDC (protein kinase, DNA-activated, catalytic subunit; minus strand). Cytogenetic location: 8q11.21.
Variant type: single nucleotide variant.
Coding change: c.11794A>G on transcript NM_006904.7 (MANE Select); coding-DNA position 11794, A replaced by G.
Protein change: p.Met3932Val; replaces methionine 3932 with valine.
Molecular consequence: missense variant.
Genome position (GRCh38, 1-based): chr8:47,778,518, T>C on the plus strand (A>G on the coding strand, the complement: PRKDC is on the minus strand). VCF-style: chr8-47778518-T-C. GRCh37 (hg19) VCF-style: chr8-48691079-T-C.
Other names: c.11701A>G, p.Met3901Val (NM_001081640.2); short protein forms M3901V, M3932V.
Identifiers: ClinVar variation 846613 (VCV000846613.5), dbSNP rs8178248, ClinGen allele CA4738993.

ClinVar aggregate classification (germline): Uncertain significance (1 of 4 stars; one submission).

Conditions:
Severe combined immunodeficiency due to DNA-PKcs deficiency. Also called: IMMUNODEFICIENCY 26 WITH NEUROLOGIC ABNORMALITIES; Immunodeficiency 26 with or without neurologic abnormalities. Identifiers: Orphanet 317425, MedGen C4014833, MONDO:0014423, OMIM 615966.

Allele frequency attached by ClinVar (database versions not stated): gnomAD exomes 0.00001 and 0.00003; ExAC 0.00004; gnomAD 0.00005 and 0.00007; TOPMed 0.00008.
gnomAD v4.1: 24 of 1,613,718 alleles (0.0015%); highest among the groups gnomAD compares: African/African-American, 0.023%; no homozygotes.

Submission:

Labcorp Genetics (formerly Invitae), Labcorp
Classification: Uncertain significance for Severe combined immunodeficiency due to DNA-PKcs deficiency. Last evaluated: 2024-11-01. Review status: criteria provided, single submitter. Criteria: Invitae Variant Classification Sherloc (09022015). Collection method: clinical testing. Allele origin: germline.
Comment: This sequence change replaces methionine, which is neutral and non-polar, with valine, which is neutral and non-polar, at codon 3932 of the PRKDC protein (p.Met3932Val). This variant is present in population databases (rs8178248, gnomAD 0.03%). This variant has not been reported in the literature in individuals affected with PRKDC-related conditions. ClinVar contains an entry for this variant (Variation ID: 846613). Invitae Evidence Modeling of protein sequence and biophysical properties (such as structural, functional, and spatial information, amino acid conservation, physicochemical variation, residue mobility, and thermodynamic stability) indicates that this missense variant is not expected to disrupt PRKDC protein function with a negative predictive value of 80%. In summary, the available evidence is currently insufficient to determine the role of this variant in disease. Therefore, it has been classified as a Variant of Uncertain Significance.